The following is an entry in ClinVar:

ClinVar aggregate classification (germline): Uncertain significance (0 of 4 stars; one submission).

Conditions:
ADCY3-related disorder. Also called: ADCY3-related condition.

gnomAD v4.1: 7 of 1,557,142 alleles (0.00045%); highest among the groups gnomAD compares: South Asian, 0.0012%; no homozygotes.

Submission:

PreventionGenetics, part of Exact Sciences
Classification: Uncertain significance for ADCY3-related condition. Last evaluated: 2024-01-10. Review status: no assertion criteria provided. Collection method: clinical testing. Allele origin: germline.
Comment: The ADCY3 c.1196C>T variant is predicted to result in the amino acid substitution p.Ser399Leu. To our knowledge, this variant has not been reported in the literature or in a large population database, indicating this variant is rare. At this time, the clinical significance of this variant is uncertain due to the absence of conclusive functional and genetic evidence.

NM_004036.5(ADCY3):c.1196C>T (p.Ser399Leu)

Gene: ADCY3 (adenylate cyclase 3; minus strand). Cytogenetic location: 2p23.3.
Variant type: single nucleotide variant.
Coding change: c.1196C>T on transcript NM_004036.5 (MANE Select); coding-DNA position 1196, C replaced by T.
Protein change: p.Ser399Leu; replaces serine 399 with leucine.
Molecular consequence: missense variant.
Genome position (GRCh38, 1-based): chr2:24,841,259, G>A on the plus strand (C>T on the coding strand, the complement: ADCY3 is on the minus strand). VCF-style: chr2-24841259-G-A. GRCh37 (hg19) VCF-style: chr2-25064128-G-A.
Other names: c.1196C>T, p.Ser399Leu (NM_001320613.2, NM_001377128.1, NM_001377129.1 and 2 more transcripts); c.473C>T, p.Ser158Leu (NM_001377131.1); short protein forms S158L, S399L.
Identifiers: ClinVar variation 3042644 (VCV003042644.2), dbSNP rs1268566357, ClinGen allele CA346063808.